The following is an entry in ClinVar:

ClinVar aggregate classification (germline): Likely benign (1 of 4 stars; one submission).

Conditions:
Familial hemophagocytic lymphohistiocytosis 4 (FHL4). Also called: STX11-Related Familial Hemophagocytic Lymphohistiocytosis (STX11-fHLH). Identifiers: Orphanet 540, MedGen C1863728, MONDO:0011336, OMIM 603552.

Allele frequency attached by ClinVar (database versions not stated): 1000 Genomes Project 30x 0.00297; gnomAD 0.00302 and 0.00321; TOPMed 0.00332; 1000 Genomes Project 0.00359.
gnomAD v4.1: 458 of 152,170 alleles (0.3%); highest among the groups gnomAD compares: African/African-American, 1%; 1 homozygote.

Submission:

Illumina Laboratory Services, Illumina
Classification: Likely benign for Familial hemophagocytic lymphohistiocytosis 4. Last evaluated: 2018-01-13. Review status: criteria provided, single submitter. Criteria: ICSL Variant Classification Criteria 13 December 2019. Collection method: clinical testing. Allele origin: germline.
Comment: This variant was observed in the ICSL laboratory as part of a predisposition screen in an ostensibly healthy population. It had not been previously curated by ICSL or reported in the Human Gene Mutation Database (HGMD: prior to June 1st, 2018), and was therefore a candidate for classification through an automated scoring system. Utilizing variant allele frequency, disease prevalence and penetrance estimates, and inheritance mode, an automated score was calculated to assess if this variant is too frequent to cause the disease. Based on the score and internal cut-off values, a variant classified as likely benign is not then subjected to further curation. The score for this variant resulted in a classification of likely benign for this disease.

NM_003764.4(STX11):c.*4283G>A

Gene: STX11 (syntaxin 11; plus strand). Cytogenetic location: 6q24.2.
Variant type: single nucleotide variant.
Coding change: c.*4283G>A on transcript NM_003764.4 (MANE Select); 4283 bases downstream of the stop codon, G replaced by A.
Molecular consequence: 3 prime UTR variant.
Genome position (GRCh38, 1-based): chr6:144,191,774, G>A. VCF-style: chr6-144191774-G-A. GRCh37 (hg19) VCF-style: chr6-144512911-G-A.
Other names: c.*4283G>A (LRG_113t1).
Identifiers: ClinVar variation 355666 (VCV000355666.5), dbSNP rs145148729, ClinGen allele CA10626027.